The following is an entry in ClinVar:

NM_030665.4(RAI1):c.5234G>A (p.Cys1745Tyr)

Gene: RAI1 (retinoic acid induced 1; plus strand). Cytogenetic location: 17p11.2.
Variant type: single nucleotide variant.
Coding change: c.5234G>A on transcript NM_030665.4 (MANE Select); coding-DNA position 5234, G replaced by A.
Protein change: p.Cys1745Tyr; replaces cysteine 1745 with tyrosine.
Molecular consequence: missense variant.
Genome position (GRCh38, 1-based): chr17:17,798,182, G>A. VCF-style: chr17-17798182-G-A. GRCh37 (hg19) VCF-style: chr17-17701496-G-A.
Other names: short protein forms C1745Y.
Identifiers: ClinVar variation 1549576 (VCV001549576.11), dbSNP rs1428568299, ClinGen allele CA398558671.

ClinVar aggregate classification (germline): Conflicting classifications of pathogenicity. Review status: criteria provided, conflicting classifications (1 of 4 stars). 3 submissions from 3 submitters: Uncertain significance (2); Likely benign (1). Last evaluated 2026-01-17.

Conditions:
RAI1-related disorder. Also called: RAI1-related condition.
Inborn genetic diseases. Identifiers: MedGen C0950123, MeSH D030342.

Allele frequency attached by ClinVar (database versions not stated): gnomAD exomes below 0.00001 and 0.00001; gnomAD 0.00002; TOPMed 0.00003.
gnomAD v4.1: 8 of 1,612,100 alleles (0.0005%); highest among the groups gnomAD compares: Non-Finnish European, 0.00068%; no homozygotes.

Submissions (3):

Labcorp Genetics (formerly Invitae), Labcorp
Classification: Likely benign. Last evaluated: 2026-01-17. Review status: criteria provided, single submitter. Criteria: Invitae Variant Classification Sherloc (09022015). Collection method: clinical testing. Allele origin: germline.

PreventionGenetics, part of Exact Sciences
Classification: Uncertain significance for RAI1-related condition. Last evaluated: 2025-06-25. Review status: criteria provided, single submitter. Criteria: ACMG Guidelines, 2015. Collection method: clinical testing. Allele origin: germline.
Comment: The RAI1 c.5234G>A variant is predicted to result in the amino acid substitution p.Cys1745Tyr. To our knowledge, this variant has not been reported in the literature. This variant is reported in 0.0024% of alleles in individuals of European (Non-Finnish) descent in gnomAD. At this time, the clinical significance of this variant is uncertain due to the absence of conclusive functional and genetic evidence.

Ambry Genetics
Classification: Uncertain significance for Inborn genetic diseases. Last evaluated: 2018-06-21. Review status: criteria provided, single submitter. Criteria: Ambry Variant Classification Scheme 2023. Collection method: clinical testing. Allele origin: germline.
Comment: The p.C1745Y variant (also known as c.5234G>A), located in coding exon 1 of the RAI1 gene, results from a G to A substitution at nucleotide position 5234. The cysteine at codon 1745 is replaced by tyrosine, an amino acid with highly dissimilar properties. This amino acid position is well conserved in available vertebrate species. In addition, this alteration is predicted to be tolerated by in silico analysis. Since supporting evidence is limited at this time, the clinical significance of this alteration remains unclear.